The following is an entry in ClinVar:

NM_004304.5(ALK):c.408del (p.Arg137fs)

Gene: ALK (ALK receptor tyrosine kinase; minus strand). Cytogenetic location: 2p23.1.
Variant type: Deletion.
Coding change: c.408del on transcript NM_004304.5 (MANE Select); coding-DNA position 408, one base deleted (G; older notation c.408delG).
Protein change: p.Arg137fs; shifts the reading frame from arginine 137.
Molecular consequence: frameshift variant.
Genome position (GRCh38, 1-based): chr2:29,920,252, C deleted on the plus strand (G on the coding strand, the reverse complement: ALK is on the minus strand); the first of 2 consecutive C bases (chr2:29,920,252-29,920,253); deleting either gives the same sequence. VCF-style (leftmost placement, unchanged base first): chr2-29920251-GC-G. GRCh37 (hg19) VCF-style: chr2-30143117-GC-G.
Other names: short protein forms R137fs.
Identifiers: ClinVar variation 1445263 (VCV001445263.6), dbSNP rs2148443342, ClinGen allele CA2573134649.

ClinVar aggregate classification (germline): Uncertain significance (1 of 4 stars; one submission).

Conditions:
Neuroblastoma, susceptibility to, 3. Also called: ALK-Related Neuroblastic Tumor Susceptibility. Identifiers: Orphanet 635, MedGen C2751681, MONDO:0013083, OMIM 613014.

Submission:

Labcorp Genetics (formerly Invitae), Labcorp
Classification: Uncertain significance for Neuroblastoma, susceptibility to, 3. Last evaluated: 2021-11-05. Review status: criteria provided, single submitter. Criteria: Invitae Variant Classification Sherloc (09022015). Collection method: clinical testing. Allele origin: germline.
Comment: This sequence change creates a premature translational stop signal (p.Arg137Valfs*49) in the ALK gene. It is expected to result in an absent or disrupted protein product. However, the current clinical and genetic evidence is not sufficient to establish whether loss-of-function variants in ALK cause disease. This variant is not present in population databases (gnomAD no frequency). This variant has not been reported in the literature in individuals affected with ALK-related conditions. Experimental studies and prediction algorithms are not available or were not evaluated, and the functional significance of this variant is currently unknown. In summary, the available evidence is currently insufficient to determine the role of this variant in disease. Therefore, it has been classified as a Variant of Uncertain Significance.